The following is an entry in ClinVar:

ClinVar aggregate classification (germline): Uncertain significance. Review status: criteria provided, multiple submitters, no conflicts (2 of 4 stars). 2 submissions from 2 submitters: Uncertain significance (2). Last evaluated 2024-04-14.

Conditions:
Perlman syndrome (PRLMNS). Identifiers: Orphanet 2849, MedGen C0796113, MONDO:0009965, OMIM 267000.

Allele frequency attached by ClinVar (database versions not stated): 1000 Genomes Project 30x 0.00016; 1000 Genomes Project 0.00020.
gnomAD v4.1: 8 of 1,610,820 alleles (0.0005%); highest among the groups gnomAD compares: African/African-American, 0.0053%; no homozygotes.

Submissions (2):

Fulgent Genetics
Classification: Uncertain significance for Perlman syndrome. Last evaluated: 2024-04-14. Review status: criteria provided, single submitter. Criteria: ACMG Guidelines, 2015. Collection method: clinical testing. Allele origin: germline.

Labcorp Genetics (formerly Invitae), Labcorp
Classification: Uncertain significance for Perlman syndrome. Last evaluated: 2023-12-06. Review status: criteria provided, single submitter. Criteria: Invitae Variant Classification Sherloc (09022015). Collection method: clinical testing. Allele origin: germline.
Comment: This sequence change replaces phenylalanine, which is neutral and non-polar, with leucine, which is neutral and non-polar, at codon 782 of the DIS3L2 protein (p.Phe782Leu). The frequency data for this variant in the population databases is considered unreliable, as metrics indicate poor data quality at this position in the gnomAD database. This variant has not been reported in the literature in individuals affected with DIS3L2-related conditions. ClinVar contains an entry for this variant (Variation ID: 2063760). Advanced modeling of protein sequence and biophysical properties (such as structural, functional, and spatial information, amino acid conservation, physicochemical variation, residue mobility, and thermodynamic stability) performed at Invitae indicates that this missense variant is not expected to disrupt DIS3L2 protein function with a negative predictive value of 80%. In summary, the available evidence is currently insufficient to determine the role of this variant in disease. Therefore, it has been classified as a Variant of Uncertain Significance.

NM_152383.5(DIS3L2):c.2346C>G (p.Phe782Leu)

Gene: DIS3L2 (DIS3 like 3'-5' exoribonuclease 2; plus strand). Cytogenetic location: 2q37.1.
Variant type: single nucleotide variant.
Coding change: c.2346C>G on transcript NM_152383.5 (MANE Select); coding-DNA position 2346, C replaced by G.
Protein change: p.Phe782Leu; replaces phenylalanine 782 with leucine.
Molecular consequence: missense variant. On other transcripts: non-coding transcript variant (2), intron variant (1).
Genome position (GRCh38, 1-based): chr2:232,334,687, C>G. VCF-style: chr2-232334687-C-G. GRCh37 (hg19) VCF-style: chr2-233199397-C-G.
Other names: c.1582-8658C>G (NM_001257281.2); short protein forms F782L.
Identifiers: ClinVar variation 2063760 (VCV002063760.5), dbSNP rs375456340, ClinGen allele CA66930751.